The following is an entry in ClinVar:

NM_001003722.2(GLE1):c.1869dup (p.Asp624Ter)

Genes: GLE1 (GLE1 RNA export mediator; plus strand), LOC101929270 (uncharacterized LOC101929270; minus strand). Cytogenetic location: 9q34.11.
Variant type: Duplication.
Coding change: c.1869dup on transcript NM_001003722.2 (MANE Select); coding-DNA position 1869, one base duplicated (T; older notation c.1869dupT).
Protein change: p.Asp624Ter; replaces aspartic acid 624 with a stop codon.
Molecular consequence: nonsense.
Genome position (GRCh38, 1-based): chr9:128,538,078, T duplicated; the last of 3 consecutive T bases (chr9:128,538,076-128,538,078); duplicating any one gives the same sequence. VCF-style (leftmost placement, unchanged base first): chr9-128538075-C-CT. GRCh37 (hg19) VCF-style: chr9-131300354-C-CT.
Other names: c.1869dup, p.Asp624Ter (NM_001499.2); short protein forms D624*.
Identifiers: ClinVar variation 1421553 (VCV001421553.6), dbSNP rs748684395, ClinGen allele CA5263974.
Genomic context (GRCh38, chr9:128,538,075, plus strand): 5'-GCGCTGGTTGGCACAGATCTTAAACATGGAGCCCTTGTCAGATGTGACAGCCACCCTCCT[C>CT]TTTGACTTCCTGGAGGTACGTAACTCAGTTATCACACAAGAGAAGGCCAGTGGTTGAGGT-3'

ClinVar aggregate classification (germline): Pathogenic (1 of 4 stars; one submission).

Submission:

Labcorp Genetics (formerly Invitae), Labcorp
Classification: Pathogenic. Last evaluated: 2023-12-05. Review status: criteria provided, single submitter. Criteria: Invitae Variant Classification Sherloc (09022015). Collection method: clinical testing. Allele origin: germline.
Comment: This sequence change creates a premature translational stop signal (p.Asp624*) in the GLE1 gene. It is expected to result in an absent or disrupted protein product. Loss-of-function variants in GLE1 are known to be pathogenic (PMID: 18204449, 24243016, 27684565). This variant is present in population databases (rs748684395, gnomAD 0.007%). This variant has not been reported in the literature in individuals affected with GLE1-related conditions. ClinVar contains an entry for this variant (Variation ID: 1421553). For these reasons, this variant has been classified as Pathogenic.

Literature cited by the submitters: PubMed 18204449; PubMed 24243016; PubMed 27684565.